The following is an entry in ClinVar:

NM_001039.4(SCNN1G):c.1226G>A (p.Cys409Tyr)

Gene: SCNN1G (sodium channel epithelial 1 subunit gamma; plus strand). Cytogenetic location: 16p12.2.
Variant type: single nucleotide variant.
Coding change: c.1226G>A on transcript NM_001039.4 (MANE Select); coding-DNA position 1226, G replaced by A.
Protein change: p.Cys409Tyr; replaces cysteine 409 with tyrosine.
Molecular consequence: missense variant.
Genome position (GRCh38, 1-based): chr16:23,212,083, G>A. VCF-style: chr16-23212083-G-A. GRCh37 (hg19) VCF-style: chr16-23223404-G-A.
Other names: short protein forms C409Y.
Identifiers: ClinVar variation 4776689 (VCV004776689.1).

ClinVar aggregate classification (germline): Uncertain significance (1 of 4 stars; one submission).

gnomAD v4.1: 4 of 1,614,068 alleles (0.00025%); highest among the groups gnomAD compares: Admixed American, 0.0067%; no homozygotes.

Submission:

Labcorp Genetics (formerly Invitae), Labcorp
Classification: Uncertain significance. Last evaluated: 2025-08-29. Review status: criteria provided, single submitter. Criteria: Invitae Variant Classification Sherloc (09022015). Collection method: clinical testing. Allele origin: germline.
Comment: This sequence change replaces cysteine, which is neutral and slightly polar, with tyrosine, which is neutral and polar, at codon 409 of the SCNN1G protein (p.Cys409Tyr). This variant is present in population databases (rs763930159, gnomAD 0.01%). This variant has not been reported in the literature in individuals affected with SCNN1G-related conditions. Invitae Evidence Modeling of protein sequence and biophysical properties (such as structural, functional, and spatial information, amino acid conservation, physicochemical variation, residue mobility, and thermodynamic stability) indicates that this missense variant is expected to disrupt SCNN1G protein function with a positive predictive value of 80%. In summary, the available evidence is currently insufficient to determine the role of this variant in disease. Therefore, it has been classified as a Variant of Uncertain Significance.